The following is an entry in ClinVar:

ClinVar aggregate classification (germline): Conflicting classifications of pathogenicity. Review status: criteria provided, conflicting classifications (1 of 4 stars). 3 submissions from 3 submitters: Uncertain significance (2); Likely benign (1). Last evaluated 2024-01-11.

Conditions:
Holoprosencephaly 9 (HPE9). Also called: HOLOPROSENCEPHALY WITH MICROPHTHALMIA AND FIRST BRANCHIAL ARCH ANOMALIES; PITUITARY ANOMALIES WITH HOLOPROSENCEPHALY-LIKE FEATURES. Identifiers: Orphanet 2162, MedGen C1835819, MONDO:0012563, OMIM 610829.

Allele frequency attached by ClinVar (database versions not stated): TOPMed 0.00001; gnomAD 0.00002; gnomAD exomes 0.00004 and 0.00006; ExAC 0.00008.
gnomAD v4.1: 76 of 1,613,256 alleles (0.0047%); highest among the groups gnomAD compares: Non-Finnish European, 0.0038%; no homozygotes.

Submissions (3):

GeneDx
Classification: Uncertain significance. Last evaluated: 2024-01-11. Review status: criteria provided, single submitter. Criteria: GeneDx Variant Classification Process June 2021. Collection method: clinical testing. Allele origin: germline. Affected: yes.
Comment: In silico analysis supports that this missense variant has a deleterious effect on protein structure/function; Has not been previously published as pathogenic or benign to our knowledge

Blueprint Genetics
Classification: Likely benign. Last evaluated: 2023-11-21. Review status: criteria provided, single submitter. Criteria: ACMG Guidelines, 2015. Collection method: clinical testing. Allele origin: germline.

Illumina Laboratory Services, Illumina
Classification: Uncertain significance for Holoprosencephaly 9. Last evaluated: 2018-01-13. Review status: criteria provided, single submitter. Criteria: ICSL Variant Classification Criteria 13 December 2019. Collection method: clinical testing. Allele origin: germline.

NM_001374353.1(GLI2):c.661C>T (p.Pro221Ser)

Gene: GLI2 (GLI family zinc finger 2; plus strand). Cytogenetic location: 2q14.2.
Variant type: single nucleotide variant.
Coding change: c.661C>T on transcript NM_001374353.1 (MANE Select); coding-DNA position 661, C replaced by T.
Protein change: p.Pro221Ser; replaces proline 221 with serine.
Molecular consequence: missense variant.
Genome position (GRCh38, 1-based): chr2:120,968,731, C>T. VCF-style: chr2-120968731-C-T. GRCh37 (hg19) VCF-style: chr2-121726307-C-T.
Other names: c.661C>T, p.Pro221Ser (NM_001371271.1, NM_005270.5); c.286C>T, p.Pro96Ser (NM_001374354.1); short protein forms P221S, P96S.
Identifiers: ClinVar variation 452760 (VCV000452760.8), dbSNP rs771675078, ClinGen allele CA1851623.